The following is an entry in ClinVar:

ClinVar aggregate classification (germline): Pathogenic. Review status: criteria provided, single submitter (1 of 4 stars). 2 submissions from 2 submitters: Pathogenic (1). 1 of the submissions does not count toward it. Last evaluated 2024-10-09.

Conditions:
Craniofrontonasal syndrome (CFNS). Also called: CRANIOFRONTONASAL DYSOSTOSIS. Identifiers: Orphanet 1520, MedGen C0220767, MONDO:0010570, OMIM 304110.

Submissions (2):

Victorian Clinical Genetics Services, Murdoch Childrens Research Institute
Classification: Pathogenic for Craniofrontonasal syndrome. Last evaluated: 2024-10-09. Review status: criteria provided, single submitter. Criteria: ACMG Guidelines, 2015. Collection method: clinical testing. Allele origin: germline. Inheritance: X-linked dominant inheritance. Affected: yes.
Comment: Based on the classification scheme VCGS_Germline_v1.3.5, this variant is classified as Pathogenic. Following criteria are met: 0102 - Loss of function is a known mechanism of disease in this gene and is associated with craniofrontonasal dysplasia (MIM#304110). (I) 0110 - This gene is associated with X-linked dominant disease. (I) 0115 - Variants in this gene are known to have variable expressivity (PMID: 34602953). (I) 0201 - Variant is predicted to cause nonsense-mediated decay (NMD) and loss of protein (premature termination codon is located at least 54 nucleotides upstream of the final exon-exon junction). (SP) 0251 - This variant is heterozygous. (I) 0301 - Variant is absent from gnomAD (v2, v3 and v4). (SP) 0701 - Other NMD-predicted variants comparable to the one identified in this case have very strong previous evidence for pathogenicity (DECIPHER). (SP) 0803 - This variant has limited previous evidence of pathogenicity in unrelated individuals. This variant has been identified in an individual with craniofrontonasal syndrome who inherited the variant from their mildly affected mosaic father (PMID: 16685650). Additionally, an alternative nucleotide change resulting in the same protein outcome, c.111G>A; p.(Trp37*), has been classified as pathogenic by a clinical laboratory (ClinVar). (SP) 1007 - No published functional evidence has been identified for this variant. (SP) Legend: (SP) - Supporting pathogenic, (I) - Information, (SB) - Supporting benign

OMIM
Classification: Pathogenic for CRANIOFRONTONASAL SYNDROME. Last evaluated: 2006-06-01. Review status: no assertion criteria provided. Collection method: literature only. Allele origin: germline. Not counted in ClinVar's aggregate classification.

Literature cited by the submitters: PubMed 16685650 (cited by Victorian Clinical Genetics Services, Murdoch Childrens Research Institute and OMIM); PubMed 34602953 (cited by Victorian Clinical Genetics Services, Murdoch Childrens Research Institute).

NM_004429.5(EFNB1):c.110G>A (p.Trp37Ter)

Gene: EFNB1 (ephrin B1; plus strand). Cytogenetic location: Xq13.1.
Variant type: single nucleotide variant.
Coding change: c.110G>A on transcript NM_004429.5 (MANE Select); coding-DNA position 110, G replaced by A.
Protein change: p.Trp37Ter; replaces tryptophan 37 with a stop codon.
Molecular consequence: nonsense.
Genome position (GRCh38, 1-based): chrX:68,829,886, G>A. VCF-style: chrX-68829886-G-A. GRCh37 (hg19) VCF-style: chrX-68049729-G-A.
Other names: c.110G>A (NM_004429.4); short protein forms W37*.
Identifiers: ClinVar variation 11714 (VCV000011714.2), dbSNP rs104894803, ClinGen allele CA121640.